The following is an entry in ClinVar:

NM_017866.6(TMEM70):c.-23C>T

Gene: TMEM70 (transmembrane protein 70; plus strand). Cytogenetic location: 8q21.11.
Variant type: single nucleotide variant.
Coding change: c.-23C>T on transcript NM_017866.6 (MANE Select); 23 bases upstream of the start codon, C replaced by T.
Molecular consequence: 5 prime UTR variant. On other transcripts: non-coding transcript variant (1).
Genome position (GRCh38, 1-based): chr8:73,976,259, C>T. VCF-style: chr8-73976259-C-T. GRCh37 (hg19) VCF-style: chr8-74888494-C-T.
Other names: c.-23C>T (NM_001040613.3).
Identifiers: ClinVar variation 363687 (VCV000363687.9), dbSNP rs2306486, ClinGen allele CA4783919.
Genomic context (GRCh38, chr8:73,976,259, plus strand): 5'-GTGCGGCAGTCGGGTGGGAAGCCGTGTCTCGCAGTCGTGGACTCGTGCAGCTGGGGCGTC[C>T]GCAGCCGCTCGTCACCCGCGTGATGCTGTTTCTGGCGTTGGGCAGCCCGTGGGCGGTCGA-3'

ClinVar aggregate classification (germline): Benign. Review status: criteria provided, multiple submitters, no conflicts (2 of 4 stars). 4 submissions from 4 submitters: Benign (4). Last evaluated 2022-04-29.

Conditions:
Mitochondrial complex V (ATP synthase) deficiency, nuclear type 2. Also called: Nuclear-Encoded ATPase Deficiency, TMEM70-Related; ENCEPHALOCARDIOMYOPATHY, MITOCHONDRIAL, NEONATAL, DUE TO ATP SYNTHASE DEFICIENCY; MITOCHONDRIAL COMPLEX V (ATP SYNTHASE) DEFICIENCY, TMEM70 TYPE. Identifiers: Orphanet 1194, MedGen C3279699, MONDO:0013546, OMIM 614052.

Allele frequency attached by ClinVar (database versions not stated): 1000 Genomes Project 30x 0.21424; ESP Exome Variant Server 0.24445; gnomAD 0.24480 and 0.24567; ExAC 0.35452; 1000 Genomes Project 0.21665; TOPMed 0.23507; gnomAD exomes 0.27223.

Submissions (4):

Mayo Clinic Laboratories, Mayo Clinic
Classification: Benign. Last evaluated: 2022-04-29. Review status: criteria provided, single submitter. Criteria: ACMG Guidelines, 2015. Collection method: clinical testing. Allele origin: germline. Observed: 25 variant alleles.

Illumina Laboratory Services, Illumina
Classification: Benign for Mitochondrial complex V (ATP synthase) deficiency, nuclear type 2. Last evaluated: 2018-01-12. Review status: criteria provided, single submitter. Criteria: ICSL Variant Classification Criteria 13 December 2019. Collection method: clinical testing. Allele origin: germline.
Comment: This variant was observed in the ICSL laboratory as part of a predisposition screen in an ostensibly healthy population. It had not been previously curated by ICSL or reported in the Human Gene Mutation Database (HGMD: prior to June 1st, 2018), and was therefore a candidate for classification through an automated scoring system. Utilizing variant allele frequency, disease prevalence and penetrance estimates, and inheritance mode, an automated score was calculated to assess if this variant is too frequent to cause the disease. Based on the score and internal cut-off values, a variant classified as benign is not then subjected to further curation. The score for this variant resulted in a classification of benign for this disease.

GeneDx
Classification: Benign. Last evaluated: 2015-03-03. Review status: criteria provided, single submitter. Criteria: GeneDx Variant Classification Process June 2021. Collection method: clinical testing. Allele origin: germline. Affected: yes.

Breakthrough Genomics
Classification: Benign. Review status: criteria provided, single submitter. Criteria: ACMG Guidelines, 2015. Collection method: not provided. Allele origin: germline. Inheritance: Autosomal recessive inheritance. Affected: yes.